The following is an entry in ClinVar:

NM_020778.5(ALPK3):c.4307T>A (p.Phe1436Tyr)

Gene: ALPK3 (alpha kinase 3; plus strand). Cytogenetic location: 15q25.3.
Variant type: single nucleotide variant.
Coding change: c.4307T>A on transcript NM_020778.5 (MANE Select); coding-DNA position 4307, T replaced by A.
Protein change: p.Phe1436Tyr; replaces phenylalanine 1436 with tyrosine.
Molecular consequence: missense variant.
Genome position (GRCh38, 1-based): chr15:84,862,812, T>A. VCF-style: chr15-84862812-T-A. GRCh37 (hg19) VCF-style: chr15-85406043-T-A.
Other names: short protein forms F1436Y.
Identifiers: ClinVar variation 1424125 (VCV001424125.10), dbSNP rs373233818, ClinGen allele CA7709918.

ClinVar aggregate classification (germline): Uncertain significance. Review status: criteria provided, multiple submitters, no conflicts (2 of 4 stars). 4 submissions from 4 submitters: Uncertain significance (4). Last evaluated 2026-01-04.

Conditions:
ALPK3-related disorder. Also called: ALPK3-related condition.
Cardiovascular phenotype. Identifiers: MedGen CN230736.

Allele frequency attached by ClinVar (database versions not stated): gnomAD 0.00001 and 0.00002; ExAC 0.00002; gnomAD exomes 0.00002 and 0.00006; TOPMed 0.00003; ESP Exome Variant Server 0.00008.
gnomAD v4.1: 93 of 1,614,038 alleles (0.0058%); highest among the groups gnomAD compares: Non-Finnish European, 0.0078%; no homozygotes.

Submissions (4):

Labcorp Genetics (formerly Invitae), Labcorp
Classification: Uncertain significance. Last evaluated: 2026-01-04. Review status: criteria provided, single submitter. Criteria: Invitae Variant Classification Sherloc (09022015). Collection method: clinical testing. Allele origin: germline.
Comment: This sequence change replaces phenylalanine, which is neutral and non-polar, with tyrosine, which is neutral and polar, at codon 1638 of the ALPK3 protein (p.Phe1638Tyr). This variant is present in population databases (rs373233818, gnomAD 0.004%). This variant has not been reported in the literature in individuals affected with ALPK3-related conditions. ClinVar contains an entry for this variant (Variation ID: 1424125). Invitae Evidence Modeling of protein sequence and biophysical properties (such as structural, functional, and spatial information, amino acid conservation, physicochemical variation, residue mobility, and thermodynamic stability) indicates that this missense variant is expected to disrupt ALPK3 protein function with a positive predictive value of 80%. In summary, the available evidence is currently insufficient to determine the role of this variant in disease. Therefore, it has been classified as a Variant of Uncertain Significance.

PreventionGenetics, part of Exact Sciences
Classification: Uncertain significance for ALPK3-related condition. Last evaluated: 2025-09-05. Review status: criteria provided, single submitter. Criteria: ACMG Guidelines, 2015. Collection method: clinical testing. Allele origin: germline.
Comment: The ALPK3 c.4913T>A variant is predicted to result in the amino acid substitution p.Phe1638Tyr. To our knowledge, this variant has not been reported in the literature. This variant is reported in 0.0054% of alleles in individuals of European (Non-Finnish) descent in gnomAD. At this time, the clinical significance of this variant is uncertain due to the absence of conclusive functional and genetic evidence.

GeneDx
Classification: Uncertain significance. Last evaluated: 2025-05-30. Review status: criteria provided, single submitter. Criteria: GeneDx Variant Classification Process June 2021. Collection method: clinical testing. Allele origin: germline. Affected: yes.
Comment: In silico analysis supports that this missense variant has a deleterious effect on protein structure/function; Has not been previously published as pathogenic or benign to our knowledge

Ambry Genetics
Classification: Uncertain significance for Cardiovascular phenotype. Last evaluated: 2023-09-20. Review status: criteria provided, single submitter. Criteria: Ambry Variant Classification Scheme 2023. Collection method: clinical testing. Allele origin: germline.